The following is an entry in ClinVar:

NM_014159.7(SETD2):c.2003C>A (p.Pro668His)

Gene: SETD2 (SET domain containing 2, histone lysine methyltransferase; minus strand). Cytogenetic location: 3p21.31.
Variant type: single nucleotide variant.
Coding change: c.2003C>A on transcript NM_014159.7 (MANE Select); coding-DNA position 2003, C replaced by A.
Protein change: p.Pro668His; replaces proline 668 with histidine.
Molecular consequence: missense variant. On other transcripts: non-coding transcript variant (1).
Genome position (GRCh38, 1-based): chr3:47,122,633, G>T on the plus strand (C>A on the coding strand, the complement: SETD2 is on the minus strand). VCF-style: chr3-47122633-G-T. GRCh37 (hg19) VCF-style: chr3-47164123-G-T.
Other names: c.1871C>A, p.Pro624His (NM_001349370.3); short protein forms P624H, P668H.
Identifiers: ClinVar variation 1001847 (VCV001001847.5), dbSNP rs1019436227, ClinGen allele CA73810874.

ClinVar aggregate classification (germline): Uncertain significance (1 of 4 stars; one submission).

Conditions:
Luscan-Lumish syndrome. Identifiers: Orphanet 597738, MedGen C4085873, MONDO:0014791, OMIM 616831.

Allele frequency attached by ClinVar (database versions not stated): gnomAD 0.00001; gnomAD exomes 0.00001; TOPMed 0.00001.
gnomAD v4.1: 6 of 1,613,430 alleles (0.00037%); highest among the groups gnomAD compares: Admixed American, 0.005%; no homozygotes.

Submission:

Labcorp Genetics (formerly Invitae), Labcorp
Classification: Uncertain significance for Luscan-Lumish syndrome. Last evaluated: 2021-03-25. Review status: criteria provided, single submitter. Criteria: Invitae Variant Classification Sherloc (09022015). Collection method: clinical testing. Allele origin: germline.
Comment: In summary, the available evidence is currently insufficient to determine the role of this variant in disease. Therefore, it has been classified as a Variant of Uncertain Significance. This sequence change replaces proline with histidine at codon 668 of the SETD2 protein (p.Pro668His). The proline residue is moderately conserved and there is a moderate physicochemical difference between proline and histidine. This variant is not present in population databases (ExAC no frequency). This variant has not been reported in the literature in individuals with SETD2-related conditions. Algorithms developed to predict the effect of missense changes on protein structure and function are either unavailable or do not agree on the potential impact of this missense change (SIFT: "Deleterious"; PolyPhen-2: "Possibly Damaging"; Align-GVGD: "Class C0").